The following is an entry in ClinVar:

NM_182961.4(SYNE1):c.10627G>A (p.Ala3543Thr)

Gene: SYNE1 (spectrin repeat containing nuclear envelope protein 1; minus strand). Cytogenetic location: 6q25.2.
Variant type: single nucleotide variant.
Coding change: c.10627G>A on transcript NM_182961.4 (MANE Select); coding-DNA position 10627, G replaced by A.
Protein change: p.Ala3543Thr; replaces alanine 3543 with threonine.
Molecular consequence: missense variant.
Genome position (GRCh38, 1-based): chr6:152,354,958, C>T on the plus strand (G>A on the coding strand, the complement: SYNE1 is on the minus strand). VCF-style: chr6-152354958-C-T. GRCh37 (hg19) VCF-style: chr6-152676093-C-T.
Other names: c.10648G>A, p.Ala3550Thr (NM_033071.5); short protein forms A3543T, A3550T.
Identifiers: ClinVar variation 3758970 (VCV003758970.1).
Genomic context (GRCh38, chr6:152,354,958, plus strand): 5'-CTGATGGGATCACATCCTCTCTGGTGTGCAGCACTGAGTTCAACAGGGCCTGCCCCTCTG[C>T]ACAGTGTACCTGTAGCTCCTGCAGAGAAAAAGGTATGGCTGTCACTCTCAATCATATTTC-3'
Protein context (NP_892006.3, residues 3533-3553): RDLQELQVHC[Ala3543Thr]EGQALLNSVL

ClinVar aggregate classification (germline): Uncertain significance (1 of 4 stars; one submission).

Conditions:
Emery-Dreifuss muscular dystrophy 4, autosomal dominant (EDMD4). Also called: EMERY-DREIFUSS MUSCULAR DYSTROPHY 4 WITH VARIABLE FEATURES. Identifiers: Orphanet 261, MedGen C2751807, MONDO:0013071, OMIM 612998.
Autosomal recessive ataxia, Beauce type. Also called: Spinocerebellar ataxia, autosomal recessive 8; ATAXIA, RECESSIVE, OF BEAUCE; SYNE1-Related Autosomal Recessive Cerebellar Ataxia; SYNE1 Deficiency. Identifiers: Orphanet 88644, MedGen C1853116, MONDO:0012549, OMIM 610743.

gnomAD v4.1: 4 of 1,614,046 alleles (0.00025%); highest among the groups gnomAD compares: Non-Finnish European, 0.00034%; no homozygotes.

Submission:

Labcorp Genetics (formerly Invitae), Labcorp
Classification: Uncertain significance for Emery-Dreifuss muscular dystrophy 4, autosomal dominant; Autosomal recessive ataxia, Beauce type. Last evaluated: 2024-05-22. Review status: criteria provided, single submitter. Criteria: Invitae Variant Classification Sherloc (09022015). Collection method: clinical testing. Allele origin: germline.
Comment: This sequence change replaces alanine, which is neutral and non-polar, with threonine, which is neutral and polar, at codon 3550 of the SYNE1 protein (p.Ala3550Thr). This variant is present in population databases (rs763617500, gnomAD 0.0009%). This variant has not been reported in the literature in individuals affected with SYNE1-related conditions. Algorithms developed to predict the effect of missense changes on protein structure and function output the following: SIFT: "Not Available"; PolyPhen-2: "Benign"; Align-GVGD: "Not Available". The threonine amino acid residue is found in multiple mammalian species, which suggests that this missense change does not adversely affect protein function. In summary, the available evidence is currently insufficient to determine the role of this variant in disease. Therefore, it has been classified as a Variant of Uncertain Significance.